The following is an entry in ClinVar:

ClinVar aggregate classification (germline): Likely benign. Review status: criteria provided, multiple submitters, no conflicts (2 of 4 stars). 7 submissions from 7 submitters: Likely benign (6). 1 of the submissions does not count toward it. Last evaluated 2026-06-01.

Conditions:
Cardiovascular phenotype. Identifiers: MedGen CN230736.
Long QT syndrome (LQTS). Identifiers: MedGen C0023976, MeSH D008133, MONDO:0002442. Disease mechanism: loss of function. Inheritance: Various modes of inheritance.
Cardiac arrhythmia, ankyrin-B-related. Also called: ANKYRIN-B SYNDROME. Identifiers: Orphanet 101016, Orphanet 768, MedGen C1970119, MONDO:0010958, OMIM 600919.
ANK2-related disorder. Also called: ANK2-related condition.

Allele frequency attached by ClinVar (database versions not stated): gnomAD exomes 0.00013 and 0.00031; ExAC 0.00036; gnomAD 0.00096 and 0.00100; ESP Exome Variant Server 0.00100; TOPMed 0.00101; 1000 Genomes Project 0.00160; 1000 Genomes Project 30x 0.00172.
gnomAD v4.1: 351 of 1,613,904 alleles (0.022%); highest among the groups gnomAD compares: African/African-American, 0.27%; 1 homozygote.

Submissions (7):

CeGaT Center for Human Genetics Tuebingen
Classification: Likely benign. Last evaluated: 2026-06-01. Review status: criteria provided, single submitter. Criteria: CeGaT Center For Human Genetics Tuebingen Variant Classification Criteria Version 2. Collection method: clinical testing. Allele origin: germline. Affected: yes. Observed: 2 variant alleles.
Comment: ANK2: BS1

Labcorp Genetics (formerly Invitae), Labcorp
Classification: Likely benign for Long QT syndrome. Last evaluated: 2026-01-26. Review status: criteria provided, single submitter. Criteria: Invitae Variant Classification Sherloc (09022015). Collection method: clinical testing. Allele origin: germline.

Blueprint Genetics
Classification: Likely benign. Last evaluated: 2024-11-26. Review status: criteria provided, single submitter. Criteria: ACMG Guidelines, 2015. Collection method: clinical testing. Allele origin: germline.

GeneDx
Classification: Likely benign. Last evaluated: 2021-03-05. Review status: criteria provided, single submitter. Criteria: GeneDx Variant Classification Process June 2021. Collection method: clinical testing. Allele origin: germline. Affected: yes.
Comment: This variant is associated with the following publications: (PMID: 28086167, 27930701)

Ambry Genetics
Classification: Likely benign for Cardiovascular phenotype. Last evaluated: 2018-09-14. Review status: criteria provided, single submitter. Criteria: Ambry Variant Classification Scheme 2023. Collection method: clinical testing. Allele origin: germline.

Illumina Laboratory Services, Illumina
Classification: Likely benign for Cardiac arrhythmia, ankyrin-B-related. Last evaluated: 2018-01-13. Review status: criteria provided, single submitter. Criteria: ICSL Variant Classification Criteria 13 December 2019. Collection method: clinical testing. Allele origin: germline.
Comment: This variant was observed in the ICSL laboratory as part of a predisposition screen in an ostensibly healthy population. It had not been previously curated by ICSL or reported in the Human Gene Mutation Database (HGMD: prior to June 1st, 2018), and was therefore a candidate for classification through an automated scoring system. Utilizing variant allele frequency, disease prevalence and penetrance estimates, and inheritance mode, an automated score was calculated to assess if this variant is too frequent to cause the disease. Based on the score and internal cut-off values, a variant classified as likely benign is not then subjected to further curation. The score for this variant resulted in a classification of likely benign for this disease.

PreventionGenetics, part of Exact Sciences
Classification: Likely benign for ANK2-related condition. Last evaluated: 2019-08-09. Review status: no assertion criteria provided. Collection method: clinical testing. Allele origin: germline. Not counted in ClinVar's aggregate classification.
Comment: This variant is classified as likely benign based on ACMG/AMP sequence variant interpretation guidelines (Richards et al. 2015 PMID: 25741868, with internal and published modifications).

NM_001148.6(ANK2):c.11725T>C (p.Ser3909Pro)

Gene: ANK2 (ankyrin 2; plus strand). Cytogenetic location: 4q26.
Variant type: single nucleotide variant.
Coding change: c.11725T>C on transcript NM_001148.6 (MANE Select); coding-DNA position 11725, T replaced by C.
Protein change: p.Ser3909Pro; replaces serine 3909 with proline.
Molecular consequence: missense variant. On other transcripts: intron variant (9).
Genome position (GRCh38, 1-based): chr4:113,373,315, T>C. VCF-style: chr4-113373315-T-C. GRCh37 (hg19) VCF-style: chr4-114294471-T-C.
Other names: c.5298+142T>C (NM_001354274.2); c.5055+142T>C (NM_001354277.2); c.5253+142T>C (NM_001386162.1, NM_001354276.2); c.5436+142T>C (NM_001354265.2); c.5412+3510T>C (NM_001386152.1); c.3003+142T>C (NM_001354282.2); c.5443T>C, p.Ser1815Pro (NM_001127493.3); c.5482T>C, p.Ser1828Pro (NM_001354225.2); and 50 more; short protein forms S3909P, S1815P, S1007P, S1737P, S1803P, S1817P, S1822P, S1850P.
Identifiers: ClinVar variation 347350 (VCV000347350.35), dbSNP rs141124755, ClinGen allele CA3052368.
Genomic context (GRCh38, chr4:113,373,315, plus strand): 5'-AATAAGATACACAAATGAAATACATTTCAGGTTACTAGGAAAATCATTAGGCGGTATGTA[T>C]CCTCTGAAGGCACAGAGAAAGAAGAGATTATGGTGCAGGGAATGCCACAGGAACCTGTCA-3'
Protein context (NP_001139.3, residues 3899-3919): VTRKIIRRYV[Ser3909Pro]SEGTEKEEIM